The following is an entry in ClinVar:

NM_000152.5(GAA):c.1090C>T (p.Pro364Ser)

Gene: GAA (alpha glucosidase; plus strand). Cytogenetic location: 17q25.3.
Variant type: single nucleotide variant.
Coding change: c.1090C>T on transcript NM_000152.5 (MANE Select); coding-DNA position 1090, C replaced by T.
Protein change: p.Pro364Ser; replaces proline 364 with serine.
Molecular consequence: missense variant.
Genome position (GRCh38, 1-based): chr17:80,108,503, C>T. VCF-style: chr17-80108503-C-T. GRCh37 (hg19) VCF-style: chr17-78082302-C-T.
Other names: c.1090C>T, p.Pro364Ser (NM_001079803.3, NM_001079804.3, NM_001406741.1 and 1 more transcripts); short protein forms P364S.
Identifiers: ClinVar variation 2180897 (VCV002180897.4), dbSNP rs1393551214, ClinGen allele CA401364935.
Genomic context (GRCh38, chr17:80,108,503, plus strand): 5'-CAAGGCTCCCTCCTCCCTCCCTCATGAAGTCGGCGTTGGCCTGCAGGATACCCGTTCATG[C>T]CGCCATACTGGGGCCTGGGCTTCCACCTGTGCCGCTGGGGCTACTCCTCCACCGCTATCA-3'
Protein context (NP_000143.2, residues 354-374): YLDVVGYPFM[Pro364Ser]PYWGLGFHLC

ClinVar aggregate classification (germline): Uncertain significance (1 of 4 stars; one submission).

Conditions:
Glycogen storage disease, type II (IOPD). Also called: POMPE DISEASE, INFANTILE-ONSET; GLYCOGEN STORAGE DISEASE II, INFANTILE-ONSET; ACID ALPHA-GLUCOSIDASE DEFICIENCY, INFANTILE-ONSET; GAA DEFICIENCY, INFANTILE-ONSET; ACID MALTASE DEFICIENCY, INFANTILE-ONSET; Pompe Disease. Identifiers: Orphanet 365, MedGen C0017921, MONDO:0009290, OMIM 232300.

Allele frequency attached by ClinVar (database versions not stated): TOPMed below 0.00001; gnomAD 0.00001.
gnomAD v4.1: 1 of 1,612,986 alleles (0.000062%); highest among the groups gnomAD compares: Non-Finnish European, 0.000085%; no homozygotes.

Submission:

Labcorp Genetics (formerly Invitae), Labcorp
Classification: Uncertain significance for Glycogen storage disease, type II. Last evaluated: 2022-07-16. Review status: criteria provided, single submitter. Criteria: Invitae Variant Classification Sherloc (09022015). Collection method: clinical testing. Allele origin: germline.
Comment: In summary, the available evidence is currently insufficient to determine the role of this variant in disease. Therefore, it has been classified as a Variant of Uncertain Significance. Advanced modeling of protein sequence and biophysical properties (such as structural, functional, and spatial information, amino acid conservation, physicochemical variation, residue mobility, and thermodynamic stability) performed at Invitae indicates that this missense variant is expected to disrupt GAA protein function. This variant has not been reported in the literature in individuals affected with GAA-related conditions. This variant is not present in population databases (gnomAD no frequency). This sequence change replaces proline, which is neutral and non-polar, with serine, which is neutral and polar, at codon 364 of the GAA protein (p.Pro364Ser).